The following is an entry in ClinVar:

NM_004281.4(BAG3):c.1096G>C (p.Val366Leu)

Gene: BAG3 (BAG cochaperone 3; plus strand). Cytogenetic location: 10q26.11.
Variant type: single nucleotide variant.
Coding change: c.1096G>C on transcript NM_004281.4 (MANE Select); coding-DNA position 1096, G replaced by C.
Protein change: p.Val366Leu; replaces valine 366 with leucine.
Molecular consequence: missense variant.
Genome position (GRCh38, 1-based): chr10:119,676,650, G>C. VCF-style: chr10-119676650-G-C. GRCh37 (hg19) VCF-style: chr10-121436162-G-C.
Other names: short protein forms V366L.
Identifiers: ClinVar variation 854869 (VCV000854869.11), dbSNP rs1215731985, ClinGen allele CA378296630.
Genomic context (GRCh38, chr10:119,676,650, plus strand): 5'-GTGGATTCTAAACCTGTTTCCCAGAAGCCCCCACCTCCCTCTGAGAAGGTAGAGGTGAAA[G>C]TTCCCCCTGCTCCAGTTCCTTGTCCTCCTCCCAGCCCTGGCCCTTCTGCTGTCCCCTCTT-3'
Protein context (NP_004272.2, residues 356-376): PPPSEKVEVK[Val366Leu]PPAPVPCPPP

ClinVar aggregate classification (germline): Uncertain significance. Review status: criteria provided, multiple submitters, no conflicts (2 of 4 stars). 2 submissions from 2 submitters: Uncertain significance (2). Last evaluated 2026-01-14.

Conditions:
Dilated cardiomyopathy 1HH (CMD1HH). Identifiers: Orphanet 154, MedGen C3151293, MONDO:0013479, OMIM 613881.
Myofibrillar myopathy 6. Identifiers: Orphanet 199340, MedGen C2751831, MONDO:0013061, OMIM 612954.
Cardiomyopathy (CMYO). Also called: Cardiomyopathies. Identifiers: Orphanet 167848, MedGen C0878544, MONDO:0004994, HP:0001638. Inheritance: Various modes of inheritance.

Allele frequency attached by ClinVar (database versions not stated): TOPMed below 0.00001; gnomAD exomes 0.00001; gnomAD 0.00002.
gnomAD v4.1: 8 of 1,614,052 alleles (0.0005%); highest among the groups gnomAD compares: African/African-American, 0.0013%; no homozygotes.

Submissions (2):

Labcorp Genetics (formerly Invitae), Labcorp
Classification: Uncertain significance for Dilated cardiomyopathy 1HH; Myofibrillar myopathy 6. Last evaluated: 2026-01-14. Review status: criteria provided, single submitter. Criteria: Invitae Variant Classification Sherloc (09022015). Collection method: clinical testing. Allele origin: germline.
Comment: This sequence change replaces valine, which is neutral and non-polar, with leucine, which is neutral and non-polar, at codon 366 of the BAG3 protein (p.Val366Leu). This variant is present in population databases (no rsID available, gnomAD 0.007%). This variant has not been reported in the literature in individuals affected with BAG3-related conditions. ClinVar contains an entry for this variant (Variation ID: 854869). Invitae Evidence Modeling of protein sequence and biophysical properties (such as structural, functional, and spatial information, amino acid conservation, physicochemical variation, residue mobility, and thermodynamic stability) indicates that this missense variant is not expected to disrupt BAG3 protein function with a negative predictive value of 80%. In summary, the available evidence is currently insufficient to determine the role of this variant in disease. Therefore, it has been classified as a Variant of Uncertain Significance.

CHEO Genetics Diagnostic Laboratory, Children's Hospital of Eastern Ontario
Classification: Uncertain significance for Cardiomyopathy. Last evaluated: 2021-09-24. Review status: criteria provided, single submitter. Criteria: ACMG Guidelines, 2015. Collection method: clinical testing. Allele origin: germline.